The following is an entry in ClinVar:

NM_001039141.3(TRIOBP):c.1991A>G (p.Asn664Ser)

Gene: TRIOBP (TRIO and F-actin binding protein; plus strand). Cytogenetic location: 22q13.1.
Variant type: single nucleotide variant.
Coding change: c.1991A>G on transcript NM_001039141.3 (MANE Select); coding-DNA position 1991, A replaced by G.
Protein change: p.Asn664Ser; replaces asparagine 664 with serine.
Molecular consequence: missense variant.
Genome position (GRCh38, 1-based): chr22:37,724,547, A>G. VCF-style: chr22-37724547-A-G. GRCh37 (hg19) VCF-style: chr22-38120554-A-G.
Other names: short protein forms N664S.
Identifiers: ClinVar variation 2190438 (VCV002190438.4), dbSNP rs780138974, ClinGen allele CA10223756.
Genomic context (GRCh38, chr22:37,724,547, plus strand): 5'-AACAAGACAGCCCCAGAACATCCTGTGCCCGACGGGACGATCCCAGAGCCTCCTCTCCTA[A>G]CAGAACCATCCAACAAGAGAACCCCAGAACATCCTGTGCCCTACGGGACAATCCCAGAGC-3'
Protein context (NP_001034230.1, residues 654-674): RRDDPRASSP[Asn664Ser]RTIQQENPRT

ClinVar aggregate classification (germline): Uncertain significance (1 of 4 stars; one submission).

Allele frequency attached by ClinVar (database versions not stated): gnomAD exomes 0.00002; ExAC 0.00006.

Submission:

Labcorp Genetics (formerly Invitae), Labcorp
Classification: Uncertain significance. Last evaluated: 2022-07-21. Review status: criteria provided, single submitter. Criteria: Invitae Variant Classification Sherloc (09022015). Collection method: clinical testing. Allele origin: germline.
Comment: This sequence change replaces asparagine, which is neutral and polar, with serine, which is neutral and polar, at codon 664 of the TRIOBP protein (p.Asn664Ser). In summary, the available evidence is currently insufficient to determine the role of this variant in disease. Therefore, it has been classified as a Variant of Uncertain Significance. Algorithms developed to predict the effect of missense changes on protein structure and function output the following: SIFT: "Deleterious"; PolyPhen-2: "Benign"; Align-GVGD: "Class C0". The serine amino acid residue is found in multiple mammalian species, which suggests that this missense change does not adversely affect protein function. This variant has not been reported in the literature in individuals affected with TRIOBP-related conditions. This variant is present in population databases (rs780138974, gnomAD 0.04%), including at least one homozygous and/or hemizygous individual.